The following is an entry in ClinVar:

NM_005529.7(HSPG2):c.11804C>T (p.Ala3935Val)

Gene: HSPG2 (heparan sulfate proteoglycan 2; minus strand). Cytogenetic location: 1p36.12.
Variant type: single nucleotide variant.
Coding change: c.11804C>T on transcript NM_005529.7 (MANE Select); coding-DNA position 11804, C replaced by T.
Protein change: p.Ala3935Val; replaces alanine 3935 with valine.
Molecular consequence: missense variant.
Genome position (GRCh38, 1-based): chr1:21,829,571, G>A on the plus strand (C>T on the coding strand, the complement: HSPG2 is on the minus strand). VCF-style: chr1-21829571-G-A. GRCh37 (hg19) VCF-style: chr1-22156064-G-A.
Other names: c.11807C>T, p.Ala3936Val (NM_001291860.2); short protein forms A3935V, A3936V.
Identifiers: ClinVar variation 1019512 (VCV001019512.8), dbSNP rs2097992868, ClinGen allele CA338902166.

ClinVar aggregate classification (germline): Uncertain significance (1 of 4 stars; one submission).

Submission:

Labcorp Genetics (formerly Invitae), Labcorp
Classification: Uncertain significance. Last evaluated: 2020-07-07. Review status: criteria provided, single submitter. Criteria: Invitae Variant Classification Sherloc (09022015). Collection method: clinical testing. Allele origin: germline.
Comment: In summary, the available evidence is currently insufficient to determine the role of this variant in disease. Therefore, it has been classified as a Variant of Uncertain Significance. Algorithms developed to predict the effect of missense changes on protein structure and function (SIFT, PolyPhen-2, Align-GVGD) all suggest that this variant is likely to be tolerated, but these predictions have not been confirmed by published functional studies and their clinical significance is uncertain. This variant has not been reported in the literature in individuals with HSPG2-related conditions. This variant is not present in population databases (ExAC no frequency). This sequence change replaces alanine with valine at codon 3935 of the HSPG2 protein (p.Ala3935Val). The alanine residue is weakly conserved and there is a small physicochemical difference between alanine and valine.